The following is an entry in ClinVar:

ClinVar aggregate classification (germline): Uncertain significance (1 of 4 stars; one submission).

Conditions:
Joubert syndrome 18 (JBTS18). Identifiers: Orphanet 2754, MedGen C3553758, MONDO:0013896, OMIM 614815.
Orofacial-digital syndrome IV (OFD4). Also called: BARAITSER-BURN SYNDROME; MOHR-MAJEWSKI SYNDROME; OFD SYNDROME WITH TIBIAL DEFECTS; OFD SYNDROME, BARAITSER-BURN TYPE; OFDS IV; ORAL-FACIAL-DIGITAL SYNDROME, TYPE IV. Identifiers: Orphanet 2753, MedGen C0406727, MONDO:0009794, OMIM 258860.

Submission:

Labcorp Genetics (formerly Invitae), Labcorp
Classification: Uncertain significance for Joubert syndrome 18; Orofacial-digital syndrome IV. Last evaluated: 2022-11-21. Review status: criteria provided, single submitter. Criteria: Invitae Variant Classification Sherloc (09022015). Collection method: clinical testing. Allele origin: germline.
Comment: In summary, the available evidence is currently insufficient to determine the role of this variant in disease. Therefore, it has been classified as a Variant of Uncertain Significance. Algorithms developed to predict the effect of missense changes on protein structure and function output the following: SIFT: "Tolerated"; PolyPhen-2: "Benign"; Align-GVGD: "Class C0". The threonine amino acid residue is found in multiple mammalian species, which suggests that this missense change does not adversely affect protein function. ClinVar contains an entry for this variant (Variation ID: 1394071). This variant has not been reported in the literature in individuals affected with TCTN3-related conditions. This variant is not present in population databases (gnomAD no frequency). This sequence change replaces methionine, which is neutral and non-polar, with threonine, which is neutral and polar, at codon 152 of the TCTN3 protein (p.Met152Thr).

NM_015631.6(TCTN3):c.455T>C (p.Met152Thr)

Gene: TCTN3 (tectonic family member 3; minus strand). Cytogenetic location: 10q24.1.
Variant type: single nucleotide variant.
Coding change: c.455T>C on transcript NM_015631.6 (MANE Select); coding-DNA position 455, T replaced by C.
Protein change: p.Met152Thr; replaces methionine 152 with threonine.
Molecular consequence: missense variant.
Genome position (GRCh38, 1-based): chr10:95,692,964, A>G on the plus strand (T>C on the coding strand, the complement: TCTN3 is on the minus strand). VCF-style: chr10-95692964-A-G. GRCh37 (hg19) VCF-style: chr10-97452721-A-G.
Other names: c.455T>C, p.Met152Thr (NM_001143973.2); short protein forms M152T.
Identifiers: ClinVar variation 1394071 (VCV001394071.8), dbSNP rs2139764940, ClinGen allele CA377711066.
Genomic context (GRCh38, chr10:95,692,964, plus strand): 5'-ACATGTTTCTACTCACAGTTGTTCACATGGACACAAAACTGCCTGATTCCATTAGAATCC[A>G]TGAAAACTCTTGAAGGAAACGGGGAATTACTCCTGAAGATAACAGAGTTGTCTACACAAA-3'
Protein context (NP_056446.4, residues 142-162): SNSPFPSRVF[Met152Thr]DSNGIRQFCV